The following is an entry in ClinVar:

ClinVar aggregate classification (germline): Pathogenic (1 of 4 stars; one submission).

Conditions:
Familial focal epilepsy with variable foci (FPEVF). Identifiers: Orphanet 98820, MedGen C1858477, MONDO:0020310.

Submission:

Labcorp Genetics (formerly Invitae), Labcorp
Classification: Pathogenic for Familial focal epilepsy with variable foci. Last evaluated: 2024-01-16. Review status: criteria provided, single submitter. Criteria: Invitae Variant Classification Sherloc (09022015). Collection method: clinical testing. Allele origin: germline.
Comment: This sequence change creates a premature translational stop signal (p.Gln675*) in the DEPDC5 gene. It is expected to result in an absent or disrupted protein product. Loss-of-function variants in DEPDC5 are known to be pathogenic (PMID: 23542697, 23542701). This variant is not present in population databases (gnomAD no frequency). This variant has not been reported in the literature in individuals affected with DEPDC5-related conditions. Algorithms developed to predict the effect of sequence changes on RNA splicing suggest that this variant may disrupt the consensus splice site. For these reasons, this variant has been classified as Pathogenic.

Literature cited by the submitters: PubMed 23542697; PubMed 23542701.

NM_001242896.3(DEPDC5):c.2023C>T (p.Gln675Ter)

Gene: DEPDC5 (DEP domain containing 5, GATOR1 subcomplex subunit; plus strand). Cytogenetic location: 22q12.3.
Variant type: single nucleotide variant.
Coding change: c.2023C>T on transcript NM_001242896.3 (MANE Select); coding-DNA position 2023, C replaced by T.
Protein change: p.Gln675Ter; replaces glutamine 675 with a stop codon.
Molecular consequence: nonsense. On other transcripts: non-coding transcript variant (4), intron variant (3).
Genome position (GRCh38, 1-based): chr22:31,822,709, C>T. VCF-style: chr22-31822709-C-T. GRCh37 (hg19) VCF-style: chr22-32218695-C-T.
Other names: c.2023C>T, p.Gln675Ter (NM_001136029.4, NM_001363852.2, NM_001364318.2 and 3 more transcripts); c.1939C>T, p.Gln647Ter (NM_001369901.1, NM_001369902.1); c.1870+3484C>T (NM_001363854.2, NM_001242897.2, NM_001364319.2); short protein forms Q647*, Q675*.
Identifiers: ClinVar variation 2734146 (VCV002734146.3), dbSNP rs2519485064, ClinGen allele CA411283171.
Genomic context (GRCh38, chr22:31,822,709, plus strand): 5'-GATGATCTACATTAAGCCAGGTGGCTGGGCTCTGTTCTCTGCAGGCACAGCAATTCCCGC[C>T]AGCCTGGTGACGGCATGTCCTTCTTGAACTTCAGTGGAACAGAGGAGCTTTCTGTCGGCC-3'